The following is an entry in ClinVar:

NM_003073.5(SMARCB1):c.285A>T (p.Glu95Asp)

Gene: SMARCB1 (SWI/SNF related BAF chromatin remodeling complex subunit B1; plus strand). Cytogenetic location: 22q11.23.
Variant type: single nucleotide variant.
Coding change: c.285A>T on transcript NM_003073.5 (MANE Select); coding-DNA position 285, A replaced by T.
Protein change: p.Glu95Asp; replaces glutamic acid 95 with aspartic acid.
Molecular consequence: missense variant.
Genome position (GRCh38, 1-based): chr22:23,793,611, A>T. VCF-style: chr22-23793611-A-T. GRCh37 (hg19) VCF-style: chr22-24135798-A-T.
Other names: c.258A>T, p.Glu86Asp (NM_001007468.3, NM_001317946.2); c.285A>T, p.Glu95Asp (NM_001362877.2); short protein forms E86D, E95D.
Identifiers: ClinVar variation 4864836 (VCV004864836.1).

ClinVar aggregate classification (germline): Uncertain significance (1 of 4 stars; one submission).

Conditions:
Hereditary cancer-predisposing syndrome. Also called: Neoplastic Syndromes, Hereditary; Tumor predisposition; Hereditary Cancer Syndrome; Hereditary neoplastic syndrome. Identifiers: Orphanet 140162, MedGen C0027672, MeSH D009386, MONDO:0015356.

Submission:

Ambry Genetics
Classification: Uncertain significance for Hereditary cancer-predisposing syndrome. Last evaluated: 2026-06-10. Review status: criteria provided, single submitter. Criteria: Ambry Variant Classification Scheme 2023. Collection method: clinical testing. Allele origin: germline.
Comment: The p.E95D variant (also known as c.285A>T), located in coding exon 3 of the SMARCB1 gene, results from an A to T substitution at nucleotide position 285. The glutamic acid at codon 95 is replaced by aspartic acid, an amino acid with highly similar properties. This amino acid position is conserved. In addition, the in silico prediction for this alteration is inconclusive. Based on the available evidence, the clinical significance of this variant remains unclear.